The following is an entry in ClinVar:

NM_004104.5(FASN):c.1601T>C (p.Val534Ala)

Gene: FASN (fatty acid synthase; minus strand). Cytogenetic location: 17q25.3.
Variant type: single nucleotide variant.
Coding change: c.1601T>C on transcript NM_004104.5 (MANE Select); coding-DNA position 1601, T replaced by C.
Protein change: p.Val534Ala; replaces valine 534 with alanine.
Molecular consequence: missense variant.
Genome position (GRCh38, 1-based): chr17:82,090,961, A>G on the plus strand (T>C on the coding strand, the complement: FASN is on the minus strand). VCF-style: chr17-82090961-A-G. GRCh37 (hg19) VCF-style: chr17-80048837-A-G.
Other names: short protein forms V534A.
Identifiers: ClinVar variation 4763234 (VCV004763234.1).

ClinVar aggregate classification (germline): Uncertain significance (1 of 4 stars; one submission).

Conditions:
Epileptic encephalopathy. Identifiers: MedGen C0543888, HP:0200134.

gnomAD v4.1: 5 of 1,612,734 alleles (0.00031%); highest among the groups gnomAD compares: Non-Finnish European, 0.00042%; no homozygotes.

Submission:

Labcorp Genetics (formerly Invitae), Labcorp
Classification: Uncertain significance for Epileptic encephalopathy. Last evaluated: 2025-07-21. Review status: criteria provided, single submitter. Criteria: Invitae Variant Classification Sherloc (09022015). Collection method: clinical testing. Allele origin: germline.
Comment: This sequence change replaces valine, which is neutral and non-polar, with alanine, which is neutral and non-polar, at codon 534 of the FASN protein (p.Val534Ala). This variant is not present in population databases (gnomAD no frequency). This variant has not been reported in the literature in individuals affected with FASN-related conditions. An algorithm developed to predict the effect of missense changes on protein structure and function (PolyPhen-2) suggests that this variant is likely to be disruptive. In summary, the available evidence is currently insufficient to determine the role of this variant in disease. Therefore, it has been classified as a Variant of Uncertain Significance.